The following is an entry in ClinVar:

ClinVar aggregate classification (germline): Uncertain significance. Review status: criteria provided, multiple submitters, no conflicts (2 of 4 stars). 2 submissions from 2 submitters: Uncertain significance (2). Last evaluated 2025-10-01.

Conditions:
RYR1-related disorder. Also called: RYR1-related disorders; RYR1-related condition. Identifiers: MedGen CN239331.
Malignant hyperthermia, susceptibility to, 1 (MHS1). Also called: Anesthesia related hyperthermia; Malignant hyperpyrexia; Fulminating hyperpyrexia; Pharmacogenic myopathy; RYR1-Related Malignant Hyperthermia Susceptibility; Malignant hyperthermia suceptibility 1. Identifiers: Orphanet 423, MedGen C2930980, MONDO:0007783, OMIM 145600.

Allele frequency attached by ClinVar (database versions not stated): ExAC 0.00002.
gnomAD v4.1: 17 of 1,613,874 alleles (0.0011%); highest among the groups gnomAD compares: East Asian, 0.016%; no homozygotes.

Submissions (2):

Labcorp Genetics (formerly Invitae), Labcorp
Classification: Uncertain significance for RYR1-related disorder. Last evaluated: 2025-10-01. Review status: criteria provided, single submitter. Criteria: Invitae Variant Classification Sherloc (09022015). Collection method: clinical testing. Allele origin: germline.
Comment: This sequence change replaces proline, which is neutral and non-polar, with arginine, which is basic and polar, at codon 3302 of the RYR1 protein (p.Pro3302Arg). This variant is present in population databases (rs777896104, gnomAD 0.02%). This variant has not been reported in the literature in individuals affected with RYR1-related conditions. ClinVar contains an entry for this variant (Variation ID: 2143328). Invitae Evidence Modeling of protein sequence and biophysical properties (such as structural, functional, and spatial information, amino acid conservation, physicochemical variation, residue mobility, and thermodynamic stability) indicates that this missense variant is not expected to disrupt RYR1 protein function with a negative predictive value of 80%. In summary, the available evidence is currently insufficient to determine the role of this variant in disease. Therefore, it has been classified as a Variant of Uncertain Significance.

Color Diagnostics, LLC DBA Color Health
Classification: Uncertain significance for Malignant hyperthermia, susceptibility to, 1. Last evaluated: 2024-02-14. Review status: criteria provided, single submitter. Criteria: ACMG Guidelines, 2015. Collection method: clinical testing. Allele origin: germline.
Comment: This missense variant replaces proline with arginine at codon 3302 of the RYR1 protein. Computational prediction suggests that this variant may not impact protein structure and function. To our knowledge, functional studies have not been reported for this variant. This variant has not been reported in individuals affected with RYR1-related disorders in the literature. This variant has been identified in 6/280114 chromosomes in the general population by the Genome Aggregation Database (gnomAD). The available evidence is insufficient to determine the role of this variant in disease conclusively. Therefore, this variant is classified as a Variant of Uncertain Significance.

NM_000540.3(RYR1):c.9905C>G (p.Pro3302Arg)

Gene: RYR1 (ryanodine receptor 1; plus strand). Cytogenetic location: 19q13.2.
Variant type: single nucleotide variant.
Coding change: c.9905C>G on transcript NM_000540.3 (MANE Select); coding-DNA position 9905, C replaced by G.
Protein change: p.Pro3302Arg; replaces proline 3302 with arginine.
Molecular consequence: missense variant.
Genome position (GRCh38, 1-based): chr19:38,517,578, C>G. VCF-style: chr19-38517578-C-G. GRCh37 (hg19) VCF-style: chr19-39008218-C-G.
Other names: c.9905C>G, p.Pro3302Arg (NM_001042723.2); short protein forms P3302R.
Identifiers: ClinVar variation 2143328 (VCV002143328.3), dbSNP rs777896104, ClinGen allele CA074333.
Genomic context (GRCh38, chr19:38,517,578, plus strand): 5'-CCCGATGGTGGGAGCGCGGGCCCGAGGCACCCCCTTCCGCCCTGCCCGCCGGCGCCCCCC[C>G]ACCCTGCACAGCTGTCACCTCTGACCACCTCAACTCCCTGCTGGGGAATATCCTGAGAAT-3'
Protein context (NP_000531.2, residues 3292-3312): PPSALPAGAP[Pro3302Arg]PCTAVTSDHL